The following is an entry in ClinVar:

ClinVar aggregate classification (germline): Uncertain significance (1 of 4 stars; one submission).

Conditions:
Inborn genetic diseases. Identifiers: MedGen C0950123, MeSH D030342.

gnomAD v4.1: 9 of 1,579,858 alleles (0.00057%); highest among the groups gnomAD compares: Admixed American, 0.0037%; no homozygotes.

Submission:

Ambry Genetics
Classification: Uncertain significance for Inborn genetic diseases. Last evaluated: 2024-11-22. Review status: criteria provided, single submitter. Criteria: Ambry Variant Classification Scheme 2023. Collection method: clinical testing. Allele origin: germline.
Comment: The p.I889V variant (also known as c.2665A>G), located in coding exon 14 of the FANCM gene, results from an A to G substitution at nucleotide position 2665. The isoleucine at codon 889 is replaced by valine, an amino acid with highly similar properties. This amino acid position is conserved. In addition, this alteration is predicted to be tolerated by in silico analysis. Based on the available evidence, the clinical significance of this variant remains unclear.

NM_020937.4(FANCM):c.2665A>G (p.Ile889Val)

Gene: FANCM (FA complementation group M; plus strand). Cytogenetic location: 14q21.2.
Variant type: single nucleotide variant.
Coding change: c.2665A>G on transcript NM_020937.4 (MANE Select); coding-DNA position 2665, A replaced by G.
Protein change: p.Ile889Val; replaces isoleucine 889 with valine.
Molecular consequence: missense variant.
Genome position (GRCh38, 1-based): chr14:45,175,419, A>G. VCF-style: chr14-45175419-A-G. GRCh37 (hg19) VCF-style: chr14-45644622-A-G.
Other names: c.2587A>G, p.Ile863Val (NM_001308133.2); short protein forms I863V, I889V.
Identifiers: ClinVar variation 3512906 (VCV003512906.1).